The following is an entry in ClinVar:

NM_014604.4(TAX1BP3):c.352G>A (p.Val118Met)

Genes: P2RX5-TAX1BP3 (P2RX5-TAX1BP3 readthrough (NMD candidate); minus strand), TAX1BP3 (Tax1 binding protein 3; minus strand). Cytogenetic location: 17p13.2.
Variant type: single nucleotide variant.
Coding change: c.352G>A on transcript NM_014604.4 (MANE Select); coding-DNA position 352, G replaced by A.
Protein change: p.Val118Met; replaces valine 118 with methionine.
Molecular consequence: missense variant. On other transcripts: non-coding transcript variant (1).
Genome position (GRCh38, 1-based): chr17:3,663,771, C>T on the plus strand (G>A on the coding strand, the complement: TAX1BP3 is on the minus strand). VCF-style: chr17-3663771-C-T. GRCh37 (hg19) VCF-style: chr17-3567065-C-T.
Other names: c.274G>A, p.Val92Met (NM_001204698.2); short protein forms V118M, V92M.
Identifiers: ClinVar variation 2393433 (VCV002393433.6), dbSNP rs201603326, ClinGen allele CA8292131.
Genomic context (GRCh38, chr17:3,663,771, plus strand): 5'-AGAGGCGGCAGGCAGGAGTCGCAGATGGTGGTGGCTGCTAGGACAGCATGGACTGCTGCA[C>T]GGCCTTCTGCAGCGACTGCCGCGTCACCAGCAGACGCACCACCTCCTCCGAGCGCTTGGT-3'
Protein context (NP_055419.1, residues 108-124): LVTRQSLQKA[Val118Met]QQSMLS

ClinVar aggregate classification (germline): Uncertain significance. Review status: criteria provided, multiple submitters, no conflicts (2 of 4 stars). 2 submissions from 2 submitters: Uncertain significance (2). Last evaluated 2024-12-14.

Allele frequency attached by ClinVar (database versions not stated): gnomAD 0.00007; TOPMed 0.00012.
gnomAD v4.1: 140 of 1,604,836 alleles (0.0087%); highest among the groups gnomAD compares: East Asian, 0.02%; no homozygotes.

Submissions (2):

Ambry Genetics
Classification: Uncertain significance. Last evaluated: 2024-12-14. Review status: criteria provided, single submitter. Criteria: Ambry Variant Classification Scheme 2023. Collection method: clinical testing. Allele origin: germline.

Labcorp Genetics (formerly Invitae), Labcorp
Classification: Uncertain significance. Last evaluated: 2023-09-20. Review status: criteria provided, single submitter. Criteria: Invitae Variant Classification Sherloc (09022015). Collection method: clinical testing. Allele origin: germline.
Comment: In summary, the available evidence is currently insufficient to determine the role of this variant in disease. Therefore, it has been classified as a Variant of Uncertain Significance. An algorithm developed to predict the effect of missense changes on protein structure and function (PolyPhen-2) suggests that this variant is likely to be tolerated. ClinVar contains an entry for this variant (Variation ID: 2393433). This variant has not been reported in the literature in individuals affected with TAX1BP3-related conditions. This variant is present in population databases (rs201603326, gnomAD 0.05%). This sequence change replaces valine, which is neutral and non-polar, with methionine, which is neutral and non-polar, at codon 118 of the TAX1BP3 protein (p.Val118Met).